The following is an entry in ClinVar:

ClinVar aggregate classification (germline): Pathogenic (1 of 4 stars; one submission).

Conditions:
Hyperinsulinemic hypoglycemia, familial, 1 (HHF1). Also called: HYPERINSULINISM, FAMILIAL, WITH PANCREATIC NESIDIOBLASTOSIS; HYPOGLYCEMIA, HYPERINSULINEMIC, OF INFANCY; NESIDIOBLASTOSIS OF PANCREAS; Persistent Hyperinsulinemia Hypoglycemia of Infancy; Persistent hyperinsulinemic hypoglycemia of infancy. Identifiers: Orphanet 276575, Orphanet 276598, MedGen C2931832, MONDO:0009734, OMIM 256450.

Submission:

Myriad Genetics, Inc.
Classification: Pathogenic for Hyperinsulinemic hypoglycemia, familial, 1. Last evaluated: 2024-02-25. Review status: criteria provided, single submitter. Criteria: Myriad Autosomal Dominant, Autosomal Recessive and X-Linked Classification Criteria (2023). Collection method: clinical testing. Allele origin: unknown.
Comment: NM_000352.3(ABCC8):c.3585_3586delCC(Q1196Afs*23) is expected to be pathogenic in the context of familial hyperinsulinism, ABCC8-related. This variant is predicted to lead to an abnormal or absent protein product due to the creation of a premature termination codon in ABCC8, a gene where loss-of-function variants are known to be pathogenic. Please note: this variant was assessed in the context of healthy population screening.

NM_000352.6(ABCC8):c.3585_3586del (p.Gln1196fs)

Gene: ABCC8 (ATP binding cassette subfamily C member 8; minus strand). Cytogenetic location: 11p15.1.
Variant type: Deletion.
Coding change: c.3585_3586del on transcript NM_000352.6 (MANE Select); coding-DNA positions 3585 to 3586, 2 bases deleted (CC; older notation c.3585_3586delCC).
Protein change: p.Gln1196fs; shifts the reading frame from glutamine 1196.
Molecular consequence: frameshift variant. On other transcripts: non-coding transcript variant (1).
Genome position (GRCh38, 1-based): chr11:17,402,725-17,402,726, GG deleted on the plus strand (CC on the coding strand, the reverse complement: ABCC8 is on the minus strand); deleting any 2 consecutive bases within chr11:17,402,725-17,402,727 gives the same sequence; the c. name uses the placement nearest the transcript's 3' end. VCF-style (leftmost placement, unchanged base first): chr11-17402724-TGG-T. GRCh37 (hg19) VCF-style: chr11-17424271-TGG-T.
Other names: c.3588_3589del, p.Gln1197fs (NM_001287174.3); c.3651_3652del, p.Gln1218fs (NM_001351295.2); c.3585_3586del, p.Gln1196fs (NM_001351296.2); c.3582_3583del, p.Gln1195fs (NM_001351297.2); short protein forms Q1195fs, Q1196fs, Q1197fs, Q1218fs.
Identifiers: ClinVar variation 5012772 (VCV005012772.1).